The following is an entry in ClinVar:

NM_013382.7(POMT2):c.162G>T (p.Ala54=)

Gene: POMT2 (protein O-mannosyltransferase 2; minus strand). Cytogenetic location: 14q24.3.
Variant type: single nucleotide variant.
Coding change: c.162G>T on transcript NM_013382.7 (MANE Select); coding-DNA position 162, G replaced by T.
Protein change: p.Ala54=; no amino-acid change (alanine 54 retained).
Molecular consequence: synonymous variant.
Genome position (GRCh38, 1-based): chr14:77,320,520, C>A on the plus strand (G>T on the coding strand, the complement: POMT2 is on the minus strand). VCF-style: chr14-77320520-C-A. GRCh37 (hg19) VCF-style: chr14-77786863-C-A.
Other names: p.Ala54=.
Identifiers: ClinVar variation 95536 (VCV000095536.35), dbSNP rs2270420, ClinGen allele CA148606.

ClinVar aggregate classification (germline): Benign. Review status: criteria provided, multiple submitters, no conflicts (2 of 4 stars). 14 submissions from 14 submitters: Benign (10). 4 of the submissions do not count toward it. Last evaluated 2026-02-04.

Conditions:
Muscular dystrophy-dystroglycanopathy (congenital with brain and eye anomalies), type A2. Also called: MUSCULAR DYSTROPHY-DYSTROGLYCANOPATHY (CONGENITAL WITH BRAIN AND EYE ANOMALIES), TYPE A, 2; WALKER-WARBURG SYNDROME OR MUSCLE-EYE-BRAIN DISEASE, POMT2-RELATED. Identifiers: Orphanet 588, Orphanet 899, MedGen C3150411, MONDO:0013154, OMIM 613150.
Muscular dystrophy-dystroglycanopathy (congenital with impaired intellectual development), type B, 2. Also called: Muscular dystrophy-dystroglycanopathy (congenital with intellectual disability), type B2; MUSCULAR DYSTROPHY, CONGENITAL, POMT2-RELATED. Identifiers: MedGen C3150416, MONDO:0013160, OMIM 613156.
Autosomal recessive limb-girdle muscular dystrophy type 2N. Also called: Muscular dystrophy-dystroglycanopathy (limb-girdle), type C, 2; MUSCULAR DYSTROPHY-DYSTROGLYCANOPATHY, LIMB-GIRDLE, POMT2-RELATED. Identifiers: Orphanet 206559, MedGen C3150418, MONDO:0013162, OMIM 613158.

Allele frequency attached by ClinVar (database versions not stated): ESP Exome Variant Server 0.04199; gnomAD 0.05519 and 0.05753; TOPMed 0.05846; gnomAD exomes 0.07437; 1000 Genomes Project 30x 0.07636; 1000 Genomes Project 0.08307; ExAC 0.12305.
gnomAD v4.1: 104,600 of 1,553,826 alleles (6.7%); highest among the groups gnomAD compares: East Asian, 22%; 4,377 homozygotes.

Submissions (14):

Labcorp Genetics (formerly Invitae), Labcorp
Classification: Benign for Muscular dystrophy-dystroglycanopathy (congenital with impaired intellectual development), type B, 2; Muscular dystrophy-dystroglycanopathy (congenital with brain and eye anomalies), type A2; Autosomal recessive limb-girdle muscular dystrophy type 2N. Last evaluated: 2026-02-04. Review status: criteria provided, single submitter. Criteria: Invitae Variant Classification Sherloc (09022015). Collection method: clinical testing. Allele origin: germline.

Blueprint Genetics
Classification: Benign. Last evaluated: 2024-11-27. Review status: criteria provided, single submitter. Criteria: ACMG Guidelines, 2015. Collection method: clinical testing. Allele origin: germline.

Mayo Clinic Laboratories, Mayo Clinic
Classification: Benign. Last evaluated: 2021-12-27. Review status: criteria provided, single submitter. Criteria: ACMG Guidelines, 2015. Collection method: clinical testing. Allele origin: germline. Observed: 155 variant alleles.

Illumina Laboratory Services, Illumina
Classification: Benign for Autosomal recessive limb-girdle muscular dystrophy type 2N. Last evaluated: 2018-01-13. Review status: criteria provided, single submitter. Criteria: ICSL Variant Classification Criteria 13 December 2019. Collection method: clinical testing. Allele origin: germline.
Comment: This variant was observed in the ICSL laboratory as part of a predisposition screen in an ostensibly healthy population. It had not been previously curated by ICSL or reported in the Human Gene Mutation Database (HGMD: prior to June 1st, 2018), and was therefore a candidate for classification through an automated scoring system. Utilizing variant allele frequency, disease prevalence and penetrance estimates, and inheritance mode, an automated score was calculated to assess if this variant is too frequent to cause the disease. Based on the score and internal cut-off values, a variant classified as benign is not then subjected to further curation. The score for this variant resulted in a classification of benign for this disease.

Athena Diagnostics
Classification: Benign. Last evaluated: 2017-07-26. Review status: criteria provided, single submitter. Criteria: Athena Diagnostics Criteria. Collection method: clinical testing. Allele origin: germline.

GeneDx
Classification: Benign. Last evaluated: 2015-03-03. Review status: criteria provided, single submitter. Criteria: GeneDx Variant Classification Process June 2021. Collection method: clinical testing. Allele origin: germline. Affected: yes.

Laboratory for Molecular Medicine, Mass General Brigham Personalized Medicine
Classification: Benign. Last evaluated: 2015-01-13. Review status: criteria provided, single submitter. Criteria: LMM Criteria. Collection method: clinical testing. Allele origin: germline. Observed: 3 variant alleles.
Comment: p.Ala54Ala in exon 1 of POMT2: This variant is not expected to have clinical sig nificance because it does not alter an amino acid residue and is not located wit hin the splice consensus sequence. It has been identified in 5.8% (478/8280) of European American chromosomes from a broad population by the NHLBI Exome Sequenc ing Project (dbSNP rs2270420).

Eurofins Ntd Llc (ga)
Classification: Benign. Last evaluated: 2012-10-25. Review status: criteria provided, single submitter. Criteria: EGL Classification Definitions 2015. Collection method: clinical testing. Allele origin: germline. Observed: 11 variant alleles, 11 heterozygotes.

Breakthrough Genomics
Classification: Benign. Review status: criteria provided, single submitter. Criteria: ACMG Guidelines, 2015. Collection method: not provided. Allele origin: germline. Inheritance: Autosomal recessive inheritance. Affected: yes.

PreventionGenetics, part of Exact Sciences
Classification: Benign. Review status: criteria provided, single submitter. Criteria: ACMG Guidelines, 2015. Collection method: clinical testing. Allele origin: germline.

Clinical Genetics DNA and cytogenetics Diagnostics Lab, Erasmus MC, Erasmus Medical Center
Classification: Benign. Review status: no assertion criteria provided. Collection method: clinical testing. Allele origin: germline. Affected: yes. Study: VKGL Data-share Consensus. Not counted in ClinVar's aggregate classification.

Clinical Genetics, Academic Medical Center
Classification: Benign. Review status: no assertion criteria provided. Collection method: clinical testing. Allele origin: germline. Affected: yes. Study: VKGL Data-share Consensus. Not counted in ClinVar's aggregate classification.

Genetic Services Laboratory, University of Chicago
Classification: Likely benign for AllHighlyPenetrant. Review status: no assertion criteria provided. Collection method: clinical testing. Allele origin: germline. Inheritance: Autosomal recessive inheritance. Not counted in ClinVar's aggregate classification.
Comment: Likely benign based on allele frequency in 1000 Genomes Project or ESP global frequency and its presence in a patient with a rare or unrelated disease phenotype. NOT Sanger confirmed.

Joint Genome Diagnostic Labs from Nijmegen and Maastricht, Radboudumc and MUMC+
Classification: Benign. Review status: no assertion criteria provided. Collection method: clinical testing. Allele origin: germline. Affected: yes. Study: VKGL Data-share Consensus. Not counted in ClinVar's aggregate classification.